The following is an entry in ClinVar:

ClinVar aggregate classification (germline): Pathogenic/Likely pathogenic. Review status: criteria provided, multiple submitters, no conflicts (2 of 4 stars). 4 submissions from 4 submitters: Pathogenic (2); Likely pathogenic (1). 1 of the submissions does not count toward it. Last evaluated 2025-04-26.

Conditions:
Rafiq syndrome (RAFQS). Identifiers: Orphanet 88616, MedGen C3280127, MONDO:0013624, OMIM 614202.
Inborn genetic diseases. Identifiers: MedGen C0950123, MeSH D030342.

Allele frequency attached by ClinVar (database versions not stated): gnomAD 0.00001; gnomAD exomes 0.00001; TOPMed 0.00002.

Submissions (4):

Labcorp Genetics (formerly Invitae), Labcorp
Classification: Likely pathogenic for Rafiq syndrome. Last evaluated: 2025-04-26. Review status: criteria provided, single submitter. Criteria: Invitae Variant Classification Sherloc (09022015). Collection method: clinical testing. Allele origin: germline.
Comment: This sequence change creates a premature translational stop signal (p.Asp613Profs*40) in the MAN1B1 gene. While this is not anticipated to result in nonsense mediated decay, it is expected to disrupt the last 87 amino acid(s) of the MAN1B1 protein. This variant is present in population databases (no rsID available, gnomAD 0.007%). This premature translational stop signal has been observed in individual(s) with MAN1B1 deficiency (PMID: 24348268). This variant is also known as c.1833_1834delAG (p.T611del). ClinVar contains an entry for this variant (Variation ID: 521615). This variant disrupts a region of the MAN1B1 protein in which other variant(s) (p.Val633Phe) have been observed in individuals with MAN1B1-related conditions (internal data). This suggests that this is a clinically significant region of the protein, and that variants that disrupt it are likely to be disease-causing. In summary, the currently available evidence indicates that the variant is pathogenic, but additional data are needed to prove that conclusively. Therefore, this variant has been classified as Likely Pathogenic.

Baylor Genetics
Classification: Pathogenic for Rafiq syndrome. Last evaluated: 2023-03-13. Review status: criteria provided, single submitter. Criteria: ACMG Guidelines, 2015. Collection method: clinical testing. Allele origin: unknown.

Ambry Genetics
Classification: Pathogenic for Inborn genetic diseases. Last evaluated: 2017-04-14. Review status: criteria provided, single submitter. Criteria: Ambry exome assertion method (8-5-2015). Collection method: clinical testing. Allele origin: germline. Affected: yes. Observed: 1 variant allele.

OMIM
Classification: Pathogenic for RAFIQ SYNDROME. Last evaluated: 2020-10-29. Review status: no assertion criteria provided. Collection method: literature only. Allele origin: germline. Not counted in ClinVar's aggregate classification.

Literature cited by the submitters: PubMed 24348268 (cited by 3 submitters).

NM_016219.5(MAN1B1):c.1833_1834del (p.Asp613fs)

Gene: MAN1B1 (mannosidase alpha class 1B member 1; plus strand). Cytogenetic location: 9q34.3.
Variant type: Deletion.
Coding change: c.1833_1834del on transcript NM_016219.5 (MANE Select); coding-DNA positions 1833 to 1834, 2 bases deleted (AG; older notation c.1833_1834delAG).
Protein change: p.Asp613fs; shifts the reading frame from aspartic acid 613.
Molecular consequence: frameshift variant. On other transcripts: non-coding transcript variant (2).
Genome position (GRCh38, 1-based): chr9:137,107,599-137,107,600, AG deleted. VCF-style (leftmost placement, unchanged base first): chr9-137107598-CAG-C. GRCh37 (hg19) VCF-style: chr9-140002050-CAG-C.
Other names: short protein forms D613fs.
Identifiers: ClinVar variation 521615 (VCV000521615.7), dbSNP rs1382373816, ClinGen allele CA467849592.
Genomic context (GRCh38, chr9:137,107,598, plus strand): 5'-ACAGGCACAACCTGCTGCGGCCAGAGACCGTGGAGAGCCTGTTCTACCTGTACCGCGTCA[CAG>C]GGGACCGCAAATACCAGGACTGGGGCTGGGAGATTCTGCAGAGCTTCAGCCGATTCACAC-3'